The following is an entry in ClinVar:

NM_032119.4(ADGRV1):c.15829C>T (p.Arg5277Cys)

Gene: ADGRV1 (adhesion G protein-coupled receptor V1; plus strand). Cytogenetic location: 5q14.3.
Variant type: single nucleotide variant.
Coding change: c.15829C>T on transcript NM_032119.4 (MANE Select); coding-DNA position 15829, C replaced by T.
Protein change: p.Arg5277Cys; replaces arginine 5277 with cysteine.
Molecular consequence: missense variant. On other transcripts: non-coding transcript variant (1).
Genome position (GRCh38, 1-based): chr5:90,811,089, C>T. VCF-style: chr5-90811089-C-T. GRCh37 (hg19) VCF-style: chr5-90106906-C-T.
Other names: short protein forms R5277C.
Identifiers: ClinVar variation 725733 (VCV000725733.25), dbSNP rs375450242, ClinGen allele CA3341986.

ClinVar aggregate classification (germline): Conflicting classifications of pathogenicity. Review status: criteria provided, conflicting classifications (1 of 4 stars). 10 submissions from 10 submitters: Uncertain significance (2); Likely benign (5). 3 of the submissions do not count toward it. Last evaluated 2025-12-01.

Conditions:
ADGRV1-related disorder. Also called: ADGRV1-related disorders; ADGRV1-related condition.
Inborn genetic diseases. Identifiers: MedGen C0950123, MeSH D030342.
Usher syndrome type 2C. Also called: Usher syndrome, type 2B; USHER SYNDROME, TYPE IIC. Identifiers: Orphanet 231178, Orphanet 886, MedGen C2931213, MONDO:0011558, OMIM 605472.

Allele frequency attached by ClinVar (database versions not stated): gnomAD exomes 0.00004 and 0.00019; gnomAD 0.00010 and 0.00011; TOPMed 0.00010; ExAC 0.00014; 1000 Genomes Project 0.00020; 1000 Genomes Project 30x 0.00031.
gnomAD v4.1: 117 of 1,613,866 alleles (0.0072%); highest among the groups gnomAD compares: East Asian, 0.16%; 3 homozygotes.

Submissions (10):

CeGaT Center for Human Genetics Tuebingen
Classification: Likely benign. Last evaluated: 2025-12-01. Review status: criteria provided, single submitter. Criteria: CeGaT Center For Human Genetics Tuebingen Variant Classification Criteria Version 2. Collection method: clinical testing. Allele origin: germline. Affected: yes. Observed: 1 variant allele.
Comment: ADGRV1: BP4

Labcorp Genetics (formerly Invitae), Labcorp
Classification: Likely benign. Last evaluated: 2025-10-15. Review status: criteria provided, single submitter. Criteria: Invitae Variant Classification Sherloc (09022015). Collection method: clinical testing. Allele origin: germline.

Blueprint Genetics
Classification: Likely benign. Last evaluated: 2024-11-20. Review status: criteria provided, single submitter. Criteria: ACMG Guidelines, 2015. Collection method: clinical testing. Allele origin: germline.

Laboratory for Molecular Medicine, Mass General Brigham Personalized Medicine
Classification: Likely benign. Last evaluated: 2023-03-30. Review status: criteria provided, single submitter. Criteria: ACMG Guidelines, 2015. Collection method: clinical testing. Allele origin: germline.
Comment: The p.Arg5277Cys variant in ADGRV1 is classified as likely benign because it has been identified in 0.2% (49/19534) of East Asian chromosomes by gnomAD v.2. In addition, conservation and computational prediction tools predict that this variant does not impact the protein. ACMG/AMP Criteria applied: BS1_P, BP4.

Ambry Genetics
Classification: Uncertain significance for Inborn genetic diseases. Last evaluated: 2021-06-22. Review status: criteria provided, single submitter. Criteria: Ambry Variant Classification Scheme 2023. Collection method: clinical testing. Allele origin: germline.

GeneDx
Classification: Likely benign. Last evaluated: 2021-05-19. Review status: criteria provided, single submitter. Criteria: GeneDx Variant Classification Process June 2021. Collection method: clinical testing. Allele origin: germline. Affected: yes.

Baylor Genetics
Classification: Uncertain significance for Usher syndrome type 2C. Last evaluated: 2019-03-28. Review status: criteria provided, single submitter. Criteria: ACMG Guidelines, 2015. Collection method: clinical testing. Allele origin: unknown. Affected: yes.
Comment: This variant was determined to be of uncertain significance according to ACMG Guidelines, 2015 [PMID:25741868].

PreventionGenetics, part of Exact Sciences
Classification: Likely benign for ADGRV1-related condition. Last evaluated: 2022-07-01. Review status: no assertion criteria provided. Collection method: clinical testing. Allele origin: germline. Not counted in ClinVar's aggregate classification.
Comment: This variant is classified as likely benign based on ACMG/AMP sequence variant interpretation guidelines (Richards et al. 2015 PMID: 25741868, with internal and published modifications).

Clinical Genetics, Academic Medical Center
Classification: Likely benign. Review status: no assertion criteria provided. Collection method: clinical testing. Allele origin: germline. Affected: yes. Study: VKGL Data-share Consensus. Not counted in ClinVar's aggregate classification.

Genome Diagnostics Laboratory, University Medical Center Utrecht
Classification: Likely benign. Review status: no assertion criteria provided. Collection method: clinical testing. Allele origin: germline. Affected: yes. Study: VKGL Data-share Consensus. Not counted in ClinVar's aggregate classification.